The following is an entry in ClinVar:

NM_003742.4(ABCB11):c.2842C>T (p.Arg948Cys)

Genes: ABCB11 (ATP binding cassette subfamily B member 11; minus strand), LOC126806400 (CDK7 strongly-dependent group 2 enhancer GRCh37_chr2:169791870-169793069; plus strand). Cytogenetic location: 2q31.1.
Variant type: single nucleotide variant.
Coding change: c.2842C>T on transcript NM_003742.4 (MANE Select); coding-DNA position 2842, C replaced by T.
Protein change: p.Arg948Cys; replaces arginine 948 with cysteine.
Molecular consequence: missense variant.
Genome position (GRCh38, 1-based): chr2:168,935,398, G>A on the plus strand (C>T on the coding strand, the complement: ABCB11 is on the minus strand). VCF-style: chr2-168935398-G-A. GRCh37 (hg19) VCF-style: chr2-169791908-G-A.
Other names: c.2842C>T, p.Arg948Cys (LRG_1199t1); c.2842C>T (NM_003742.2); short protein forms R948C.
Identifiers: ClinVar variation 598092 (VCV000598092.18), dbSNP rs1559183717, ClinGen allele CA349124165.

ClinVar aggregate classification (germline): Pathogenic/Likely pathogenic. Review status: criteria provided, multiple submitters, no conflicts (2 of 4 stars). 8 submissions from 8 submitters: Pathogenic (6); Likely pathogenic (2). Last evaluated 2026-06-19.

Conditions:
Benign recurrent intrahepatic cholestasis type 2 (BRIC2). Also called: Recurrent familial intrahepatic cholestasis 2. Identifiers: Orphanet 65682, Orphanet 99961, MedGen C2608083, MONDO:0011559, OMIM 605479.
Progressive familial intrahepatic cholestasis type 2. Identifiers: Orphanet 79304, MedGen C3489789, MONDO:0011156, OMIM 601847.
ABCB11-related disorder. Also called: ABCB11-related condition.
Familial intrahepatic cholestasis. Identifiers: Orphanet 284385, MedGen CN296401, MONDO:0017290.
Progressive familial intrahepatic cholestasis (PFIC). Also called: Progressive family intrahepatic cholestasis; Progressive intrahepatic cholestasis. Identifiers: Orphanet 172, MedGen C0268312, MONDO:0015762.

Allele frequency attached by ClinVar (database versions not stated): TOPMed below 0.00001; gnomAD exomes 0.00001.
gnomAD v4.1: 10 of 1,613,756 alleles (0.00062%); highest among the groups gnomAD compares: South Asian, 0.0022%; no homozygotes.

Submissions (8):

PreventionGenetics, part of Exact Sciences
Classification: Pathogenic for ABCB11-related condition. Last evaluated: 2026-06-19. Review status: criteria provided, single submitter. Criteria: ACMG Guidelines, 2015. Collection method: clinical testing. Allele origin: germline.
Comment: The ABCB11 c.2842C>T variant is predicted to result in the amino acid substitution p.Arg948Cys. This variant was reported in the compound heterozygous state in individuals with progressive familial intrahepatic cholestasis (Strautnieks et al. 2008. PubMed ID: 18395098; Supplementary Table 3, Hertel et al. 2021. PubMed ID: 34016879; Kondou et al. 2024. PubMed ID: 38341604). This variant has not been reported in a large population database (gnomAD), indicating this variant is rare. This variant is interpreted as pathogenic.

Genomenon, Inc
Classification: Likely pathogenic for Familial intrahepatic cholestasis. Last evaluated: 2026-04-14. Review status: criteria provided, single submitter. Criteria: Genomenon Sequence Variant Interpretation Standards - Updated. Collection method: curation. Allele origin: germline. Affected: yes.
Comment: ABCB11 p.Arg948Cys (c.2842C>T) is a missense variant that changes the amino acid at residue 948 from Arginine to Cysteine. This variant has been observed in at least one proband with an ABCB11-related disorder (PMID:38341604;37471416;32087350;18395098;26678486;20683201). At least one functional study has demonstrated a substantial alteration in protein function relative to the wild-type (PMID:40195555;19101985). It is absent or not present at a significant frequency in gnomAD. In silico models predict that this variant is possibly or probably damaging. In conclusion, we classify ABCB11 p.Arg948Cys (c.2842C>T) as a likely pathogenic variant.

Immunogenetics and Transplant Biology Service, University Hospital "Città della Salute e della Scienza di Torino"
Classification: Pathogenic for Benign recurrent intrahepatic cholestasis type 2; Progressive familial intrahepatic cholestasis type 2. Last evaluated: 2025-06-28. Review status: criteria provided, single submitter. Criteria: ACMG Guidelines, 2015. Collection method: clinical testing. Allele origin: germline. Affected: yes.

Labcorp Genetics (formerly Invitae), Labcorp
Classification: Pathogenic. Last evaluated: 2023-10-27. Review status: criteria provided, single submitter. Criteria: Invitae Variant Classification Sherloc (09022015). Collection method: clinical testing. Allele origin: germline.
Comment: This sequence change replaces arginine, which is basic and polar, with cysteine, which is neutral and slightly polar, at codon 948 of the ABCB11 protein (p.Arg948Cys). This variant is not present in population databases (gnomAD no frequency). This missense change has been observed in individuals with ABCB11-related disease (PMID: 18395098, 20683201, 26678486). ClinVar contains an entry for this variant (Variation ID: 598092). Advanced modeling of protein sequence and biophysical properties (such as structural, functional, and spatial information, amino acid conservation, physicochemical variation, residue mobility, and thermodynamic stability) performed at Invitae indicates that this missense variant is expected to disrupt ABCB11 protein function with a positive predictive value of 95%. Experimental studies have shown that this missense change affects ABCB11 function (PMID: 19101985). For these reasons, this variant has been classified as Pathogenic.

Baylor Genetics
Classification: Pathogenic for Benign recurrent intrahepatic cholestasis type 2. Last evaluated: 2023-10-07. Review status: criteria provided, single submitter. Criteria: ACMG Guidelines, 2015. Collection method: clinical testing. Allele origin: unknown.

Women's Health and Genetics/Laboratory Corporation of America, LabCorp
Classification: Pathogenic for Progressive familial intrahepatic cholestasis. Last evaluated: 2023-02-28. Review status: criteria provided, single submitter. Criteria: LabCorp Variant Classification Summary - May 2015. Collection method: clinical testing. Allele origin: germline.
Comment: Variant summary: ABCB11 c.2842C>T (p.Arg948Cys) results in a non-conservative amino acid change located in the ABC transporter type 1, transmembrane domain of the encoded protein sequence. Five of five in-silico tools predict a damaging effect of the variant on protein function. The variant was absent in 248970 control chromosomes. c.2842C>T has been reported in the literature in individuals affected with Intrahepatic Cholestasis (Strautnieks_2008, Giovannoni_2015). These data indicate that the variant is likely to be associated with disease. At least one publication reports experimental evidence evaluating an impact on protein function and showed that variant effect results in immature protein (Byrne_2009). Three clinical diagnostic laboratories have submitted clinical-significance assessments for this variant to ClinVar after 2014 without evidence for independent evaluation. All laboratories classified the variant as pathogenic/likely pathogenic. Based on the evidence outlined above, the variant was classified as pathogenic.

Fulgent Genetics
Classification: Likely pathogenic for Progressive familial intrahepatic cholestasis type 2; Benign recurrent intrahepatic cholestasis type 2. Last evaluated: 2021-08-26. Review status: criteria provided, single submitter. Criteria: ACMG Guidelines, 2015. Collection method: clinical testing. Allele origin: unknown.

Eurofins Ntd Llc (ga)
Classification: Pathogenic. Last evaluated: 2018-07-19. Review status: criteria provided, single submitter. Criteria: EGL ClinVar v180209 classification definitions. Collection method: clinical testing. Allele origin: germline. Observed: 1 variant allele, 1 heterozygote.

Literature cited by the submitters: PubMed 38341604 (cited by Genomenon, Inc); PubMed 37471416 (cited by Genomenon, Inc); PubMed 32087350 (cited by Genomenon, Inc); PubMed 18395098 (cited by 4 submitters); PubMed 26678486 (cited by 4 submitters); PubMed 20683201 (cited by 3 submitters); PubMed 40195555 (cited by Genomenon, Inc); PubMed 19101985 (cited by 4 submitters).